The following is an entry in ClinVar:

NM_001211.6(BUB1B):c.155A>G (p.Asn52Ser)

Gene: BUB1B (BUB1 mitotic checkpoint serine/threonine kinase B; plus strand). Cytogenetic location: 15q15.1.
Variant type: single nucleotide variant.
Coding change: c.155A>G on transcript NM_001211.6 (MANE Select); coding-DNA position 155, A replaced by G.
Protein change: p.Asn52Ser; replaces asparagine 52 with serine.
Molecular consequence: missense variant.
Genome position (GRCh38, 1-based): chr15:40,165,172, A>G. VCF-style: chr15-40165172-A-G. GRCh37 (hg19) VCF-style: chr15-40457373-A-G.
Other names: short protein forms N52S.
Identifiers: ClinVar variation 3221354 (VCV003221354.1), dbSNP rs2542508810, ClinGen allele CA391677260.

ClinVar aggregate classification (germline): Uncertain significance (1 of 4 stars; one submission).

Conditions:
Inborn genetic diseases. Identifiers: MedGen C0950123, MeSH D030342.

Allele frequency attached by ClinVar (database versions not stated): gnomAD exomes below 0.00001.
gnomAD v4.1: 3 of 1,614,244 alleles (0.00019%); highest among the groups gnomAD compares: Non-Finnish European, 0.00025%; no homozygotes.

Submission:

Ambry Genetics
Classification: Uncertain significance for Inborn genetic diseases. Last evaluated: 2024-02-16. Review status: criteria provided, single submitter. Criteria: Ambry Variant Classification Scheme 2023. Collection method: clinical testing. Allele origin: germline.
Comment: The p.N52S variant (also known as c.155A>G), located in coding exon 2 of the BUB1B gene, results from an A to G substitution at nucleotide position 155. The asparagine at codon 52 is replaced by serine, an amino acid with highly similar properties. This amino acid position is conserved. In addition, this alteration is predicted to be tolerated by in silico analysis. Based on the available evidence, the clinical significance of this alteration remains unclear.